The following is an entry in ClinVar:

NM_015915.5(ATL1):c.1213G>A (p.Val405Met)

Gene: ATL1 (atlastin GTPase 1; plus strand). Cytogenetic location: 14q22.1.
Variant type: single nucleotide variant.
Coding change: c.1213G>A on transcript NM_015915.5 (MANE Select); coding-DNA position 1213, G replaced by A.
Protein change: p.Val405Met; replaces valine 405 with methionine.
Molecular consequence: missense variant.
Genome position (GRCh38, 1-based): chr14:50,628,124, G>A. VCF-style: chr14-50628124-G-A. GRCh37 (hg19) VCF-style: chr14-51094842-G-A.
Other names: c.1213G>A, p.Val405Met (NM_001127713.1, NM_181598.4); short protein forms V405M.
Identifiers: ClinVar variation 471245 (VCV000471245.11), dbSNP rs201240362, ClinGen allele CA7180453.

ClinVar aggregate classification (germline): Uncertain significance. Review status: criteria provided, multiple submitters, no conflicts (2 of 4 stars). 3 submissions from 3 submitters: Uncertain significance (3). Last evaluated 2025-12-02.

Conditions:
ATL1-related disorder. Also called: ATL1-related condition.
Hereditary spastic paraplegia 3A (SPG3A). Also called: Spastic paraplegia 3A, autosomal dominant; SPASTIC PARAPLEGIA 3, AUTOSOMAL DOMINANT; FAMILIAL SPASTIC PARAPLEGIA, AUTOSOMAL DOMINANT, 1; SPG3; STRUMPELL DISEASE; Spastic Paraplegia 3A. Identifiers: Orphanet 100984, MedGen C2931355, MONDO:0008437, OMIM 182600.

Allele frequency attached by ClinVar (database versions not stated): gnomAD exomes 0.00003 and 0.00005; ExAC 0.00005; TOPMed 0.00005; gnomAD 0.00007; ESP Exome Variant Server 0.00008; 1000 Genomes Project 30x 0.00016; 1000 Genomes Project 0.00020.
gnomAD v4.1: 50 of 1,614,186 alleles (0.0031%); highest among the groups gnomAD compares: African/African-American, 0.0093%; no homozygotes.

Submissions (3):

PreventionGenetics, part of Exact Sciences
Classification: Uncertain significance for ATL1-related condition. Last evaluated: 2025-12-02. Review status: criteria provided, single submitter. Criteria: ACMG Guidelines, 2015. Collection method: clinical testing. Allele origin: germline.
Comment: The ATL1 c.1213G>A variant is predicted to result in the amino acid substitution p.Val405Met. This variant has been reported in an individual with hereditary spastic paraplegia (Kadnikova et al. 2019. PubMed ID: 31594988). This variant is reported in 0.0080% of alleles in individuals of African descent in gnomAD. At this time, the clinical significance of this variant is uncertain due to the absence of conclusive functional and genetic evidence.

Labcorp Genetics (formerly Invitae), Labcorp
Classification: Uncertain significance for Hereditary spastic paraplegia 3A. Last evaluated: 2025-11-02. Review status: criteria provided, single submitter. Criteria: Invitae Variant Classification Sherloc (09022015). Collection method: clinical testing. Allele origin: germline.
Comment: This sequence change replaces valine, which is neutral and non-polar, with methionine, which is neutral and non-polar, at codon 405 of the ATL1 protein (p.Val405Met). This variant is present in population databases (rs201240362, gnomAD 0.008%). This missense change has been observed in individual(s) with autosomal dominant hereditary spastic paraplegia (PMID: 31594988). ClinVar contains an entry for this variant (Variation ID: 471245). Invitae Evidence Modeling of protein sequence and biophysical properties (such as structural, functional, and spatial information, amino acid conservation, physicochemical variation, residue mobility, and thermodynamic stability) has been performed for this missense variant. However, the output from this modeling did not meet the statistical confidence thresholds required to predict the impact of this variant on ATL1 protein function. In summary, the available evidence is currently insufficient to determine the role of this variant in disease. Therefore, it has been classified as a Variant of Uncertain Significance.

Institute for Medical Genetics and Human Genetics, Charité - Universitätsmedizin Berlin
Classification: Uncertain significance. Review status: criteria provided, single submitter. Criteria: ACMG Guidelines, 2015. Collection method: not provided. Allele origin: germline. Inheritance: X-linked dominant inheritance. Affected: yes.

Literature cited by the submitters: PubMed 31594988 (cited by Labcorp Genetics (formerly Invitae), Labcorp).